The following is an entry in ClinVar:

ClinVar aggregate classification (germline): Likely pathogenic (1 of 4 stars; one submission).

Conditions:
Hemolytic anemia due to hexokinase deficiency (CNSHA5). Also called: HEMOLYTIC ANEMIA, NONSPHEROCYTIC, DUE TO HEXOKINASE DEFICIENCY; Non-spherocytic hemolytic anemia due to hexokinase deficiency; ANEMIA, CONGENITAL, NONSPHEROCYTIC HEMOLYTIC, 5; Hexokinase deficiency hemolytic anemia. Identifiers: Orphanet 90031, MedGen C3150343, MONDO:0009340, OMIM 235700.
Charcot-Marie-Tooth disease type 4G. Also called: CHARCOT-MARIE-TOOTH NEUROPATHY, TYPE 4G; Neuropathy, hereditary motor and sensory, Russe type; CHARCOT-MARIE-TOOTH DISEASE, DEMYELINATING, TYPE 4G. Identifiers: Orphanet 99953, MedGen C1854449, MONDO:0011534, OMIM 605285.

gnomAD v4.1: 1 of 1,614,206 alleles (0.000062%); highest among the groups gnomAD compares: Non-Finnish European, 0.000085%; no homozygotes.

Submission:

First Genomix Gene Laboratory, Genetic Diagnostics Department
Classification: Likely pathogenic for Hemolytic anemia due to hexokinase deficiency; Charcot-Marie-Tooth disease type 4G. Last evaluated: 2025-05-08. Review status: criteria provided, single submitter. Criteria: ACMG Guidelines, 2015. Collection method: clinical testing. Allele origin: germline. Inheritance: Autosomal recessive inheritance. Affected: no. Observed: 1 variant allele.

NM_000188.3(HK1):c.1114C>T (p.Gln372Ter)

Gene: HK1 (hexokinase 1; plus strand). Cytogenetic location: 10q22.1.
Variant type: single nucleotide variant.
Coding change: c.1114C>T on transcript NM_000188.3 (MANE Select); coding-DNA position 1114, C replaced by T.
Protein change: p.Gln372Ter; replaces glutamine 372 with a stop codon.
Molecular consequence: nonsense. On other transcripts: non-coding transcript variant (2), intron variant (1).
Genome position (GRCh38, 1-based): chr10:69,379,944, C>T. VCF-style: chr10-69379944-C-T. GRCh37 (hg19) VCF-style: chr10-71139700-C-T.
Other names: c.1126C>T, p.Gln376Ter (NM_001322364.2, NM_001358263.1, NM_033497.3 and 1 more transcripts); c.1219C>T, p.Gln407Ter (NM_001322365.2); c.1030C>T, p.Gln344Ter (NM_001322366.1, NM_001441143.1); c.1018C>T, p.Gln340Ter (NM_001322367.1); c.1114C>T, p.Gln372Ter (NM_001441139.1, NM_001441141.1, NM_001441145.1 and 2 more transcripts); c.1105C>T, p.Gln369Ter (NM_001441140.1); c.1072C>T, p.Gln358Ter (NM_001441142.1); c.994C>T, p.Gln332Ter (NM_001441144.1); and 8 more; short protein forms Q134*, Q159*, Q250*, Q298*, Q332*, Q340*, Q344*, Q358*.
Identifiers: ClinVar variation 4845902 (VCV004845902.1).
Genomic context (GRCh38, chr10:69,379,944, plus strand): 5'-GCCAAAGAAATCCTGACCCGCCTGGGAGTGGAGCCGTCCGATGATGACTGTGTCTCAGTC[C>T]AGCACGTTTGCACCATTGTCTCATTTCGCTCAGCCAACTTGGTGGCTGCCACACTGGGCG-3'